The following is an entry in ClinVar:

ClinVar aggregate classification (germline): Uncertain significance (1 of 4 stars; one submission).

Conditions:
IVNS1ABP-related disorder. Also called: IVNS1ABP-related condition.

Submission:

PreventionGenetics, part of Exact Sciences
Classification: Uncertain significance for IVNS1ABP-related condition. Last evaluated: 2024-11-18. Review status: criteria provided, single submitter. Criteria: ACMG Guidelines, 2015. Collection method: clinical testing. Allele origin: germline.
Comment: The IVNS1ABP c.413G>A variant is predicted to result in the amino acid substitution p.Arg138Gln. To our knowledge, this variant has not been reported in the literature. This variant is reported in 0.00088% of alleles in individuals of European (Non-Finnish) descent in gnomAD. At this time, the clinical significance of this variant is uncertain due to the absence of conclusive functional and genetic evidence.

NM_006469.5(IVNS1ABP):c.413G>A (p.Arg138Gln)

Gene: IVNS1ABP (influenza virus NS1A binding protein; minus strand). Cytogenetic location: 1q25.3.
Variant type: single nucleotide variant.
Coding change: c.413G>A on transcript NM_006469.5 (MANE Select); coding-DNA position 413, G replaced by A.
Protein change: p.Arg138Gln; replaces arginine 138 with glutamine.
Molecular consequence: missense variant.
Genome position (GRCh38, 1-based): chr1:185,307,607, C>T on the plus strand (G>A on the coding strand, the complement: IVNS1ABP is on the minus strand). VCF-style: chr1-185307607-C-T. GRCh37 (hg19) VCF-style: chr1-185276739-C-T.
Other names: short protein forms R138Q.
Identifiers: ClinVar variation 4988715 (VCV004988715.1).